The following is an entry in ClinVar:

NM_001128148.3(TFRC):c.1913G>A (p.Ser638Asn)

Gene: TFRC (transferrin receptor; minus strand). Cytogenetic location: 3q29.
Variant type: single nucleotide variant.
Coding change: c.1913G>A on transcript NM_001128148.3 (MANE Select); coding-DNA position 1913, G replaced by A.
Protein change: p.Ser638Asn; replaces serine 638 with asparagine.
Molecular consequence: missense variant.
Genome position (GRCh38, 1-based): chr3:196,053,545, C>T on the plus strand (G>A on the coding strand, the complement: TFRC is on the minus strand). VCF-style: chr3-196053545-C-T. GRCh37 (hg19) VCF-style: chr3-195780416-C-T.
Other names: c.1670G>A, p.Ser557Asn (NM_001313965.2); c.1067G>A, p.Ser356Asn (NM_001313966.2); c.1913G>A, p.Ser638Asn (NM_003234.4); short protein forms S356N, S557N, S638N.
Identifiers: ClinVar variation 4744426 (VCV004744426.1).

ClinVar aggregate classification (germline): Uncertain significance (1 of 4 stars; one submission).

Submission:

Labcorp Genetics (formerly Invitae), Labcorp
Classification: Uncertain significance. Last evaluated: 2025-10-28. Review status: criteria provided, single submitter. Criteria: Invitae Variant Classification Sherloc (09022015). Collection method: clinical testing. Allele origin: germline.
Comment: This sequence change replaces serine, which is neutral and polar, with asparagine, which is neutral and polar, at codon 638 of the TFRC protein (p.Ser638Asn). This variant is not present in population databases (gnomAD no frequency). This variant has not been reported in the literature in individuals affected with TFRC-related conditions. Invitae Evidence Modeling of protein sequence and biophysical properties (such as structural, functional, and spatial information, amino acid conservation, physicochemical variation, residue mobility, and thermodynamic stability) indicates that this missense variant is not expected to disrupt TFRC protein function with a negative predictive value of 80%. In summary, the available evidence is currently insufficient to determine the role of this variant in disease. Therefore, it has been classified as a Variant of Uncertain Significance.